The following is an entry in ClinVar:

NM_000038.6(APC):c.1981del (p.Cys661fs)

Gene: APC (APC regulator of WNT signaling pathway; plus strand). Cytogenetic location: 5q22.2.
Variant type: Deletion.
Coding change: c.1981del on transcript NM_000038.6 (MANE Select); coding-DNA position 1981, one base deleted (T; older notation c.1981delT).
Protein change: p.Cys661fs; shifts the reading frame from cysteine 661.
Molecular consequence: frameshift variant. On other transcripts: non-coding transcript variant (2).
Genome position (GRCh38, 1-based): chr5:112,837,575, T deleted. VCF-style (leftmost placement, unchanged base first): chr5-112837574-CT-C. GRCh37 (hg19) VCF-style: chr5-112173271-CT-C.
Other names: c.1981del, p.Cys661fs (NM_001127510.3, NM_001354895.2, NM_001407450.1); c.1927del, p.Cys643fs (NM_001127511.3); c.2035del, p.Cys679fs (NM_001354896.2, NM_001407447.1, NM_001407448.1 and 1 more transcripts); c.2011del, p.Cys671fs (NM_001354897.2); c.1906del, p.Cys636fs (NM_001354898.2); c.1897del, p.Cys633fs (NM_001354899.2); c.1858del, p.Cys620fs (NM_001354900.2); c.1804del, p.Cys602fs (NM_001354901.2, NM_001407453.1); and 11 more; short protein forms C277fs, C378fs, C501fs, C532fs, C535fs, C560fs, C570fs, C578fs.
Identifiers: ClinVar variation 3075520 (VCV003075520.1), dbSNP rs2533389076, ClinGen allele CA2825001368.
Genomic context (GRCh38, chr5:112,837,574, plus strand): 5'-TTGTGACCTTAATTTTGTGATCTCTTGATTTTATTTCAGGCAAATCCTAAGAGAGAACAA[CT>C]GTCTACAAACTTTATTACAACACTTAAAATCTCATAGTTTGACAATAGTCAGTAATGCAT-3'

ClinVar aggregate classification (germline): Pathogenic (1 of 4 stars; one submission).

Conditions:
Classic or attenuated familial adenomatous polyposis. Identifiers: MedGen CN372698, MONDO:0021057.

Submission:

All of Us Research Program, National Institutes of Health
Classification: Pathogenic for Classic or attenuated familial adenomatous polyposis. Last evaluated: 2023-07-10. Review status: criteria provided, single submitter. Criteria: ACMG Guidelines, 2015. Collection method: clinical testing. Allele origin: germline. Inheritance: Autosomal dominant inheritance. Observed: 1 variant allele, 1 heterozygote.
Comment: This variant deletes 1 nucleotide in exon 16 of the APC gene, creating a frameshift and premature translation stop signal in the last coding exon. This variant is predicted to escape nonsense-mediated decay and be expressed as a truncated protein. Although functional studies have not been reported, this variant is expected to disrupt the nuclear localization signal domains, beta-Catenin-, EB1-, and HDLG-binding sites (PMID: 17881494). To our knowledge, this variant has not been reported in individuals affected with hereditary cancer in the literature. This variant has not been identified in the general population by the Genome Aggregation Database (gnomAD). Loss of APC function is a known mechanism of disease. The available evidence is insufficient to determine the role of this variant in disease conclusively. Therefore, this variant is classified as Pathogenic

This study involves interpretation of variants in research participants for the purpose of population health screening. Participant phenotype was not available at the time of variant classification. Additional details can be found in publication PMID: 35346344, PMCID: PMC8962531

Literature cited by the submitters: PubMed 17881494.